The following is an entry in ClinVar:

NM_025137.4(SPG11):c.817A>G (p.Ile273Val)

Gene: SPG11 (SPG11 vesicle trafficking associated, spatacsin; minus strand). Cytogenetic location: 15q21.1.
Variant type: single nucleotide variant.
Coding change: c.817A>G on transcript NM_025137.4 (MANE Select); coding-DNA position 817, A replaced by G.
Protein change: p.Ile273Val; replaces isoleucine 273 with valine.
Molecular consequence: missense variant.
Genome position (GRCh38, 1-based): chr15:44,657,147, T>C on the plus strand (A>G on the coding strand, the complement: SPG11 is on the minus strand). VCF-style: chr15-44657147-T-C. GRCh37 (hg19) VCF-style: chr15-44949345-T-C.
Other names: c.817A>G, p.Ile273Val (NM_001160227.2, NM_001411132.1); c.817A>G (NM_025137.3); short protein forms I273V.
Identifiers: ClinVar variation 2077138 (VCV002077138.5), dbSNP rs762589710, ClinGen allele CA7535715.

ClinVar aggregate classification (germline): Uncertain significance. Review status: criteria provided, single submitter (1 of 4 stars). 2 submissions from 2 submitters: Uncertain significance (1). 1 of the submissions does not count toward it. Last evaluated 2025-04-09.

Conditions:
Hereditary spastic paraplegia 11. Also called: Nakamura Osame syndrome; Autosomal recessive hereditary spastic paraplegia, mental impairment, and thin corpus callosum; SPASTIC PARAPLEGIA, AUTOSOMAL RECESSIVE, COMPLICATED, WITH THIN CORPUS CALLOSUM; SPASTIC PARAPLEGIA, AUTOSOMAL RECESSIVE, WITH MENTAL IMPAIRMENT AND THIN CORPUS CALLOSUM; Spastic Paraplegia 11; Spastic paraplegia, mental retardation and thin corpus callosum. Identifiers: Orphanet 2822, MedGen C1858479, MONDO:0011445, OMIM 604360.
SPG11-related disorder. Also called: SPG11-related condition.

Allele frequency attached by ClinVar (database versions not stated): gnomAD exomes below 0.00001; gnomAD 0.00001; ExAC 0.00002.
gnomAD v4.1: 3 of 1,614,066 alleles (0.00019%); highest among the groups gnomAD compares: Non-Finnish European, 0.00017%; no homozygotes.

Submissions (2):

Labcorp Genetics (formerly Invitae), Labcorp
Classification: Uncertain significance for Hereditary spastic paraplegia 11. Last evaluated: 2025-04-09. Review status: criteria provided, single submitter. Criteria: Invitae Variant Classification Sherloc (09022015). Collection method: clinical testing. Allele origin: germline.
Comment: This sequence change replaces isoleucine, which is neutral and non-polar, with valine, which is neutral and non-polar, at codon 273 of the SPG11 protein (p.Ile273Val). This variant is present in population databases (rs762589710, gnomAD 0.004%). This variant has not been reported in the literature in individuals affected with SPG11-related conditions. ClinVar contains an entry for this variant (Variation ID: 2077138). Invitae Evidence Modeling of protein sequence and biophysical properties (such as structural, functional, and spatial information, amino acid conservation, physicochemical variation, residue mobility, and thermodynamic stability) indicates that this missense variant is not expected to disrupt SPG11 protein function with a negative predictive value of 80%. In summary, the available evidence is currently insufficient to determine the role of this variant in disease. Therefore, it has been classified as a Variant of Uncertain Significance.

PreventionGenetics, part of Exact Sciences
Classification: Uncertain significance for SPG11-related condition. Last evaluated: 2024-08-20. Review status: no assertion criteria provided. Collection method: clinical testing. Allele origin: germline. Not counted in ClinVar's aggregate classification.
Comment: The SPG11 c.817A>G variant is predicted to result in the amino acid substitution p.Ile273Val. To our knowledge, this variant has not been reported in the literature. This variant is reported in 0.0046% of alleles in individuals of European (Finnish) descent in gnomAD. At this time, the clinical significance of this variant is uncertain due to the absence of conclusive functional and genetic evidence.